The following is an entry in ClinVar:

NM_000742.4(CHRNA2):c.595A>G (p.Met199Val)

Gene: CHRNA2 (cholinergic receptor nicotinic alpha 2 subunit; minus strand). Cytogenetic location: 8p21.2.
Variant type: single nucleotide variant.
Coding change: c.595A>G on transcript NM_000742.4 (MANE Select); coding-DNA position 595, A replaced by G.
Protein change: p.Met199Val; replaces methionine 199 with valine.
Molecular consequence: missense variant. On other transcripts: initiator codon variant (2).
Genome position (GRCh38, 1-based): chr8:27,463,848, T>C on the plus strand (A>G on the coding strand, the complement: CHRNA2 is on the minus strand). VCF-style: chr8-27463848-T-C. GRCh37 (hg19) VCF-style: chr8-27321365-T-C.
Other names: c.550A>G, p.Met184Val (NM_001282455.2); c.118A>G, p.Met40Val (NM_001347705.2, NM_001347706.2); c.1A>G, p.Met1Val (NM_001347707.2, NM_001347708.2); short protein forms M199V, M184V, M1V, M40V.
Identifiers: ClinVar variation 418587 (VCV000418587.6), dbSNP rs1064793314, ClinGen allele CA16618622.

ClinVar aggregate classification (germline): Uncertain significance. Review status: criteria provided, multiple submitters, no conflicts (2 of 4 stars). 2 submissions from 2 submitters: Uncertain significance (2). Last evaluated 2023-06-16.

Conditions:
Familial sleep-related hypermotor epilepsy. Also called: Autosomal Dominant Sleep-Related Hypermotor (Hyperkinetic) Epilepsy. Identifiers: Orphanet 98784, MedGen C3696898, MONDO:0000030.

Allele frequency attached by ClinVar (database versions not stated): gnomAD exomes 0.00001 and 0.00002; TOPMed below 0.00001.

Submissions (2):

Labcorp Genetics (formerly Invitae), Labcorp
Classification: Uncertain significance. Last evaluated: 2023-06-16. Review status: criteria provided, single submitter. Criteria: Invitae Variant Classification Sherloc (09022015). Collection method: clinical testing. Allele origin: germline.
Comment: In summary, the available evidence is currently insufficient to determine the role of this variant in disease. Therefore, it has been classified as a Variant of Uncertain Significance. Advanced modeling of protein sequence and biophysical properties (such as structural, functional, and spatial information, amino acid conservation, physicochemical variation, residue mobility, and thermodynamic stability) performed at Invitae indicates that this missense variant is expected to disrupt CHRNA2 protein function. ClinVar contains an entry for this variant (Variation ID: 418587). This variant has not been reported in the literature in individuals affected with CHRNA2-related conditions. This variant is present in population databases (no rsID available, gnomAD 0.002%). This sequence change replaces methionine, which is neutral and non-polar, with valine, which is neutral and non-polar, at codon 199 of the CHRNA2 protein (p.Met199Val).

GeneDx
Classification: Uncertain significance. Last evaluated: 2016-04-26. Review status: criteria provided, single submitter. Criteria: GeneDx Variant Classification (06012015). Collection method: clinical testing. Allele origin: germline. Affected: yes.
Comment: The M199V variant in the CHRNA2 gene has not been reported previously as a pathogenic variant, nor as a benign variant, to our knowledge. The M199V variant was not observed in approximately 6,500 individuals of European and African American ancestry in the NHLBI Exome Sequencing Project, indicating it is not a common benign variant in these populations. The M199V variant is a conservative amino acid substitution, which is not likely to impact secondary protein structure as these residues share similar properties. This substitution occurs at a position that is conserved across species. In silico analysis predicts this variant is probably damaging to the protein structure/function. We interpret M199V as a variant of uncertain significance.